The following is an entry in ClinVar:

NM_016284.5(CNOT1):c.6648T>C (p.Asn2216=)

Gene: CNOT1 (CCR4-NOT transcription complex subunit 1; minus strand). Cytogenetic location: 16q21.
Variant type: single nucleotide variant.
Coding change: c.6648T>C on transcript NM_016284.5 (MANE Select); coding-DNA position 6648, T replaced by C.
Protein change: p.Asn2216=; no amino-acid change (asparagine 2216 retained).
Molecular consequence: synonymous variant. On other transcripts: non-coding transcript variant (1).
Genome position (GRCh38, 1-based): chr16:58,525,315, A>G on the plus strand (T>C on the coding strand, the complement: CNOT1 is on the minus strand). VCF-style: chr16-58525315-A-G. GRCh37 (hg19) VCF-style: chr16-58559219-A-G.
Other names: c.6633T>C, p.Asn2211= (NM_001265612.2).
Identifiers: ClinVar variation 3388696 (VCV003388696.15).

ClinVar aggregate classification (germline): Likely benign. Review status: criteria provided, multiple submitters, no conflicts (2 of 4 stars). 2 submissions from 2 submitters: Likely benign (2). Last evaluated 2024-10-01.

gnomAD v4.1: 4 of 1,613,822 alleles (0.00025%); highest among the groups gnomAD compares: South Asian, 0.0022%; no homozygotes.

Submissions (2):

CeGaT Center for Human Genetics Tuebingen
Classification: Likely benign. Last evaluated: 2024-10-01. Review status: criteria provided, single submitter. Criteria: CeGaT Center For Human Genetics Tuebingen Variant Classification Criteria Version 2. Collection method: clinical testing. Allele origin: germline. Affected: yes. Observed: 1 variant allele.
Comment: CNOT1: BP4, BP7

Blueprint Genetics
Classification: Likely benign. Last evaluated: 2024-02-09. Review status: criteria provided, single submitter. Criteria: ACMG Guidelines, 2015. Collection method: clinical testing. Allele origin: germline.